The following is an entry in ClinVar:

NM_005055.5(RAPSN):c.652_655dup (p.Leu219fs)

Gene: RAPSN (receptor associated protein of the synapse; minus strand). Cytogenetic location: 11p11.2.
Variant type: Duplication.
Coding change: c.652_655dup on transcript NM_005055.5 (MANE Select); coding-DNA positions 652 to 655, 4 bases duplicated (CTGC; older notation c.652_655dupCTGC).
Protein change: p.Leu219fs; shifts the reading frame from leucine 219.
Molecular consequence: frameshift variant.
Genome position (GRCh38, 1-based): chr11:47,442,691-47,442,694, GCAG duplicated on the plus strand (CTGC on the coding strand, the reverse complement: RAPSN is on the minus strand); duplicating any 4 consecutive bases within chr11:47,442,691-47,442,696 gives the same sequence; the c. name uses the placement nearest the transcript's 3' end. VCF-style (leftmost placement, unchanged base first): chr11-47442690-A-AGCAG. GRCh37 (hg19) VCF-style: chr11-47464242-A-AGCAG.
Other names: c.652_655dup, p.Leu219fs (NM_032645.5); short protein forms L219fs.
Identifiers: ClinVar variation 2946234 (VCV002946234.3), dbSNP rs2496106871, ClinGen allele CA2740093740.
Genomic context (GRCh38, chr11:47,442,690, plus strand): 5'-ACCTGCCCCCTTCCCCGCTGCCCCACCTCACAACACTCCATGGCACTGCCCAGGCGGCCC[A>AGCAG]GCAGGCGATAGGCCACGGCCATGTGGTACTGGCTCATGGCCCGGTACTTCAGGCTCCAGC-3'

ClinVar aggregate classification (germline): Pathogenic (1 of 4 stars; one submission).

Conditions:
Fetal akinesia deformation sequence 1 (FADS1). Also called: Pena-Shokeir syndrome type I; Fetal akinesia sequence. Identifiers: Orphanet 994, MedGen C1276035, MONDO:0100101, OMIM 208150, HP:0001989.
Congenital myasthenic syndrome 11. Also called: MYASTHENIC SYNDROME, CONGENITAL, Ie; Myasthenic syndrome, congenital, 11, associated with acetylcholine receptor deficiency. Identifiers: Orphanet 590, MedGen C4225367, MONDO:0014588, OMIM 616326.

Submission:

Labcorp Genetics (formerly Invitae), Labcorp
Classification: Pathogenic for Congenital myasthenic syndrome 11; Fetal akinesia deformation sequence 1. Last evaluated: 2023-04-06. Review status: criteria provided, single submitter. Criteria: Invitae Variant Classification Sherloc (09022015). Collection method: clinical testing. Allele origin: germline.
Comment: This sequence change creates a premature translational stop signal (p.Leu219Profs*13) in the RAPSN gene. It is expected to result in an absent or disrupted protein product. Loss-of-function variants in RAPSN are known to be pathogenic (PMID: 17686188). This variant is not present in population databases (gnomAD no frequency). This variant has not been reported in the literature in individuals affected with RAPSN-related conditions. For these reasons, this variant has been classified as Pathogenic.

Literature cited by the submitters: PubMed 17686188.